The following is an entry in ClinVar:

NM_002905.5(RDH5):c.830C>T (p.Pro277Leu)

Genes: BLOC1S1-RDH5 (BLOC1S1-RDH5 readthrough; plus strand), CD63 (CD63 molecule; minus strand), RDH5 (retinol dehydrogenase 5; plus strand). Cytogenetic location: 12q13.2.
Variant type: single nucleotide variant.
Coding change: c.830C>T on transcript NM_002905.5 (MANE Select); coding-DNA position 830, C replaced by T.
Protein change: p.Pro277Leu; replaces proline 277 with leucine.
Molecular consequence: missense variant. On other transcripts: non-coding transcript variant (1), 3 prime UTR variant (2).
Genome position (GRCh38, 1-based): chr12:55,724,418, C>T. VCF-style: chr12-55724418-C-T. GRCh37 (hg19) VCF-style: chr12-56118202-C-T.
Other names: c.830C>T, p.Pro277Leu (NM_001199771.3); c.*646G>A (NM_001413284.1); c.*661G>A (NM_001413285.1); short protein forms P277L.
Identifiers: ClinVar variation 3688992 (VCV003688992.2).
Genomic context (GRCh38, chr12:55,724,418, plus strand): 5'-GTGACCCGGACCTAACCAAGGTGAGCCGATGCCTGGAGCATGCCCTGACTGCTCGACACC[C>T]CCGAACCCGCTACAGCCCAGGTTGGGATGCCAAGCTGCTCTGGCTGCCTGCCTCCTACCT-3'
Protein context (NP_002896.2, residues 267-287): CLEHALTARH[Pro277Leu]RTRYSPGWDA

ClinVar aggregate classification (germline): Uncertain significance (1 of 4 stars; one submission).

Submission:

Labcorp Genetics (formerly Invitae), Labcorp
Classification: Uncertain significance. Last evaluated: 2024-03-26. Review status: criteria provided, single submitter. Criteria: Invitae Variant Classification Sherloc (09022015). Collection method: clinical testing. Allele origin: germline.
Comment: This sequence change replaces proline, which is neutral and non-polar, with leucine, which is neutral and non-polar, at codon 277 of the RDH5 protein (p.Pro277Leu). This variant is not present in population databases (gnomAD no frequency). This variant has not been reported in the literature in individuals affected with RDH5-related conditions. Advanced modeling of protein sequence and biophysical properties (such as structural, functional, and spatial information, amino acid conservation, physicochemical variation, residue mobility, and thermodynamic stability) performed at Invitae indicates that this missense variant is expected to disrupt RDH5 protein function with a positive predictive value of 80%. In summary, the available evidence is currently insufficient to determine the role of this variant in disease. Therefore, it has been classified as a Variant of Uncertain Significance.